The following is an entry in ClinVar:

ClinVar aggregate classification (germline): Uncertain significance (1 of 4 stars; one submission).

Submission:

Labcorp Genetics (formerly Invitae), Labcorp
Classification: Uncertain significance. Last evaluated: 2024-03-26. Review status: criteria provided, single submitter. Criteria: Invitae Variant Classification Sherloc (09022015). Collection method: clinical testing. Allele origin: germline.
Comment: This sequence change affects codon 535 of the THBD mRNA. It is a 'silent' change, meaning that it does not change the encoded amino acid sequence of the THBD protein. This variant is not present in population databases (gnomAD no frequency). This variant has not been reported in the literature in individuals affected with THBD-related conditions. ClinVar contains an entry for this variant (Variation ID: 2018165). In summary, the available evidence is currently insufficient to determine the role of this variant in disease. Therefore, it has been classified as a Variant of Uncertain Significance.

NM_000361.3(THBD):c.1605C>T (p.Leu535=)

Gene: THBD (thrombomodulin; minus strand). Cytogenetic location: 20p11.21.
Variant type: single nucleotide variant.
Coding change: c.1605C>T on transcript NM_000361.3 (MANE Select); coding-DNA position 1605, C replaced by T.
Protein change: p.Leu535=; no amino-acid change (leucine 535 retained).
Molecular consequence: synonymous variant.
Genome position (GRCh38, 1-based): chr20:23,047,900, G>A on the plus strand (C>T on the coding strand, the complement: THBD is on the minus strand). VCF-style: chr20-23047900-G-A. GRCh37 (hg19) VCF-style: chr20-23028537-G-A.
Identifiers: ClinVar variation 2018165 (VCV002018165.4), dbSNP rs2515202415, ClinGen allele CA510160735.